The following is an entry in ClinVar:

NM_021939.4(FKBP10):c.392-2A>G

Gene: FKBP10 (FKBP prolyl isomerase 10; plus strand). Cytogenetic location: 17q21.2.
Variant type: single nucleotide variant.
Coding change: c.392-2A>G on transcript NM_021939.4 (MANE Select); the canonical splice acceptor site of the intron before coding-DNA position 392, A replaced by G.
Molecular consequence: splice acceptor variant.
Genome position (GRCh38, 1-based): chr17:41,818,087, A>G. VCF-style: chr17-41818087-A-G. GRCh37 (hg19) VCF-style: chr17-39974339-A-G.
Identifiers: ClinVar variation 504221 (VCV000504221.6), dbSNP rs1555616334, ClinGen allele CA399514344.

ClinVar aggregate classification (germline): Pathogenic/Likely pathogenic. Review status: criteria provided, multiple submitters, no conflicts (2 of 4 stars). 3 submissions from 3 submitters: Pathogenic (1); Likely pathogenic (2). Last evaluated 2024-03-04.

Submissions (3):

Labcorp Genetics (formerly Invitae), Labcorp
Classification: Likely pathogenic. Last evaluated: 2024-03-04. Review status: criteria provided, single submitter. Criteria: Invitae Variant Classification Sherloc (09022015). Collection method: clinical testing. Allele origin: germline.
Comment: This sequence change affects an acceptor splice site in intron 2 of the FKBP10 gene. It is expected to disrupt RNA splicing. Variants that disrupt the donor or acceptor splice site typically lead to a loss of protein function (PMID: 16199547), and loss-of-function variants in FKBP10 are known to be pathogenic (PMID: 22689593, 22949511). This variant is not present in population databases (gnomAD no frequency). This variant has not been reported in the literature in individuals affected with FKBP10-related conditions. ClinVar contains an entry for this variant (Variation ID: 504221). Algorithms developed to predict the effect of sequence changes on RNA splicing suggest that this variant may disrupt the consensus splice site. In summary, the currently available evidence indicates that the variant is pathogenic, but additional data are needed to prove that conclusively. Therefore, this variant has been classified as Likely Pathogenic.

ARUP Laboratories, Molecular Genetics and Genomics, ARUP Laboratories
Classification: Likely pathogenic. Last evaluated: 2023-03-02. Review status: criteria provided, single submitter. Criteria: ARUP Molecular Germline Variant Investigation Process 2024. Collection method: clinical testing. Allele origin: germline.
Comment: The FKBP10 c.392-2A>G variant (rs1555616334), to our knowledge, is not reported in the medical literature but is reported in ClinVar (Variation ID: 504221). This variant is absent from the Genome Aggregation Database, indicating it is not a common polymorphism. This variant disrupts the canonical splice acceptor site of intron 2 which is likely to negatively impact gene function. Based on available information, this variant is considered to be likely pathogenic.

GeneDx
Classification: Pathogenic. Last evaluated: 2021-03-19. Review status: criteria provided, single submitter. Criteria: GeneDx Variant Classification Process June 2021. Collection method: clinical testing. Allele origin: germline. Affected: yes.
Comment: Has not been previously published as pathogenic or benign to our knowledge; Canonical splice site variant predicted to result in a null allele in a gene for which loss-of-function is a known mechanism of disease; Not observed in large population cohorts (Lek et al., 2016)

Literature cited by the submitters: PubMed 16199547 (cited by Labcorp Genetics (formerly Invitae), Labcorp); PubMed 22689593 (cited by Labcorp Genetics (formerly Invitae), Labcorp); PubMed 22949511 (cited by Labcorp Genetics (formerly Invitae), Labcorp).